The following is an entry in ClinVar:

NM_001009944.3(PKD1):c.9603C>T (p.Ile3201=)

Gene: PKD1 (polycystin 1, transient receptor potential channel interacting; minus strand). Cytogenetic location: 16p13.3.
Variant type: single nucleotide variant.
Coding change: c.9603C>T on transcript NM_001009944.3 (MANE Select); coding-DNA position 9603, C replaced by T.
Protein change: p.Ile3201=; no amino-acid change (isoleucine 3201 retained).
Molecular consequence: synonymous variant.
Genome position (GRCh38, 1-based): chr16:2,100,275, G>A on the plus strand (C>T on the coding strand, the complement: PKD1 is on the minus strand). VCF-style: chr16-2100275-G-A. GRCh37 (hg19) VCF-style: chr16-2150276-G-A.
Other names: c.9603C>T, p.Ile3201= (NM_000296.4).
Identifiers: ClinVar variation 4927647 (VCV004927647.2).

ClinVar aggregate classification (germline): Likely benign. Review status: criteria provided, multiple submitters, no conflicts (2 of 4 stars). 2 submissions from 2 submitters: Likely benign (2). Last evaluated 2026-02-16.

Conditions:
PKD1-related disorder. Also called: PKD1-related condition.

gnomAD v4.1: 66 of 1,610,684 alleles (0.0041%); highest among the groups gnomAD compares: Non-Finnish European, 0.0054%; no homozygotes.

Submissions (2):

PreventionGenetics, part of Exact Sciences
Classification: Likely benign for PKD1-related condition. Last evaluated: 2026-02-16. Review status: criteria provided, single submitter. Criteria: ACMG Guidelines, 2015. Collection method: clinical testing. Allele origin: germline.
Comment: This variant is classified as likely benign based on ACMG/AMP sequence variant interpretation guidelines (Richards et al. 2015 PMID: 25741868, with internal and published modifications).

Blueprint Genetics
Classification: Likely benign. Last evaluated: 2021-09-29. Review status: criteria provided, single submitter. Criteria: ACMG Guidelines, 2015. Collection method: clinical testing. Allele origin: germline.